The following is an entry in ClinVar:

NM_001447.3(FAT2):c.7876C>A (p.Pro2626Thr)

Genes: FAT2 (FAT atypical cadherin 2; minus strand), SLC36A1 (solute carrier family 36 member 1; plus strand). Cytogenetic location: 5q33.1.
Variant type: single nucleotide variant.
Coding change: c.7876C>A on transcript NM_001447.3 (MANE Select); coding-DNA position 7876, C replaced by A.
Protein change: p.Pro2626Thr; replaces proline 2626 with threonine.
Molecular consequence: missense variant.
Genome position (GRCh38, 1-based): chr5:151,543,251, G>T on the plus strand (C>A on the coding strand, the complement: FAT2 is on the minus strand). VCF-style: chr5-151543251-G-T. GRCh37 (hg19) VCF-style: chr5-150922812-G-T.
Other names: short protein forms P2626T.
Identifiers: ClinVar variation 2961473 (VCV002961473.3), dbSNP rs2479844479, ClinGen allele CA361833843.

ClinVar aggregate classification (germline): Uncertain significance (1 of 4 stars; one submission).

Allele frequency attached by ClinVar (database versions not stated): gnomAD exomes below 0.00001.
gnomAD v4.1: 1 of 1,614,120 alleles (0.000062%); highest among the groups gnomAD compares: Middle Eastern, 0.016%; no homozygotes.

Submission:

Labcorp Genetics (formerly Invitae), Labcorp
Classification: Uncertain significance. Last evaluated: 2023-08-17. Review status: criteria provided, single submitter. Criteria: Invitae Variant Classification Sherloc (09022015). Collection method: clinical testing. Allele origin: germline.
Comment: This sequence change replaces proline, which is neutral and non-polar, with threonine, which is neutral and polar, at codon 2626 of the FAT2 protein (p.Pro2626Thr). This variant is not present in population databases (gnomAD no frequency). This variant has not been reported in the literature in individuals affected with FAT2-related conditions. Advanced modeling of protein sequence and biophysical properties (such as structural, functional, and spatial information, amino acid conservation, physicochemical variation, residue mobility, and thermodynamic stability) performed at Invitae indicates that this missense variant is not expected to disrupt FAT2 protein function. In summary, the available evidence is currently insufficient to determine the role of this variant in disease. Therefore, it has been classified as a Variant of Uncertain Significance.